The following is an entry in ClinVar:

ClinVar aggregate classification (germline): Conflicting classifications of pathogenicity. Review status: criteria provided, conflicting classifications (1 of 4 stars). 8 submissions from 8 submitters: Uncertain significance (6); Likely benign (2). Last evaluated 2026-06-19.

Conditions:
Dilated cardiomyopathy 1G (CMD1G). Identifiers: Orphanet 154, MedGen C1858763, MONDO:0011400, OMIM 604145.
Autosomal recessive limb-girdle muscular dystrophy type 2J (LGMDR10). Also called: Limb-girdle muscular dystrophy, type 2J; MUSCULAR DYSTROPHY, LIMB-GIRDLE, AUTOSOMAL RECESSIVE 10. Identifiers: Orphanet 140922, MedGen C1837342, MONDO:0012127, OMIM 608807.
Cardiomyopathy (CMYO). Also called: Cardiomyopathies. Identifiers: Orphanet 167848, MedGen C0878544, MONDO:0004994, HP:0001638. Inheritance: Various modes of inheritance.
Cardiovascular phenotype. Identifiers: MedGen CN230736.
TTN-related disorder. Also called: TTN-related disorders; TTN-related condition; TTN-related disease.

Allele frequency attached by ClinVar (database versions not stated): gnomAD exomes 0.00006; TOPMed 0.00006; 1000 Genomes Project 30x 0.00016; ExAC 0.00005; gnomAD 0.00006.
gnomAD v4.1: 44 of 1,614,044 alleles (0.0027%); highest among the groups gnomAD compares: Admixed American, 0.028%; no homozygotes.

Submissions (8):

PreventionGenetics, part of Exact Sciences
Classification: Uncertain significance for TTN-related condition. Last evaluated: 2026-06-19. Review status: criteria provided, single submitter. Criteria: ACMG Guidelines, 2015. Collection method: clinical testing. Allele origin: germline.
Comment: The TTN c.6950G>A variant is predicted to result in the amino acid substitution p.Arg2317His. In an alternate transcript (NM_133378:), this variant is also known as 6950G>A (p.Arg2317His). This variant has been reported in sudden unexplained death cohort (Table S1 in Campuzano et al. 2015. PubMed ID: 26516846; Sanchez et al. 2016. PubMed ID: 27930701). This variant is reported in 0.025% of alleles in individuals of Latino descent in gnomAD. At this time, the clinical significance of this variant is uncertain due to the absence of conclusive functional and genetic evidence.

CeGaT Center for Human Genetics Tuebingen
Classification: Uncertain significance. Last evaluated: 2024-06-01. Review status: criteria provided, single submitter. Criteria: CeGaT Center For Human Genetics Tuebingen Variant Classification Criteria Version 2. Collection method: clinical testing. Allele origin: germline. Affected: yes. Observed: 1 variant allele.
Comment: TTN: PM2

Women's Health and Genetics/Laboratory Corporation of America, LabCorp
Classification: Likely benign. Last evaluated: 2022-01-31. Review status: criteria provided, single submitter. Criteria: LabCorp Variant Classification Summary - May 2015. Collection method: clinical testing. Allele origin: germline.
Comment: Variant summary: TTN c.6950G>A (p.Arg2317His) results in a non-conservative amino acid change located in the I-band region of the encoded protein sequence. Four of five in-silico tools predict a damaging effect of the variant on protein function. The variant allele was found at a frequency of 6.3e-05 in 395656 control chromosomes, predominantly at a frequency of 0.00033 within the Latino subpopulation in the gnomAD database (in the v2.1 and v3.1 non-v2 datasets). This frequency is somewhat lower than the maximum expected for a pathogenic variant in TTN causing Dilated Cardiomyopathy (0.00039). To our knowledge, no experimental evidence demonstrating an impact on protein function has been reported. Three clinical diagnostic laboratories have submitted clinical-significance assessments for this variant to ClinVar after 2014 without evidence for independent evaluation, and classified the variant as likely benign (n=1) or VUS (n=). Based on the evidence outlined above, the variant was classified as likely benign.

Revvity Omics, Revvity
Classification: Uncertain significance. Last evaluated: 2020-08-12. Review status: criteria provided, single submitter. Criteria: ACMG Guidelines, 2015. Collection method: clinical testing. Allele origin: germline.

GeneDx
Classification: Likely benign. Last evaluated: 2019-01-08. Review status: criteria provided, single submitter. Criteria: GeneDx Variant Classification Process June 2021. Collection method: clinical testing. Allele origin: germline. Affected: yes.
Comment: This variant is associated with the following publications: (PMID: 23910462)

Ambry Genetics
Classification: Uncertain significance for Cardiovascular phenotype. Last evaluated: 2018-12-03. Review status: criteria provided, single submitter. Criteria: Ambry Variant Classification Scheme 2023. Collection method: clinical testing. Allele origin: germline.
Comment: The p.R2271H variant (also known as c.6812G>A), located in coding exon 28 of the TTN gene, results from a G to A substitution at nucleotide position 6812. The arginine at codon 2271 is replaced by histidine, an amino acid with highly similar properties. This amino acid position is highly conserved in available vertebrate species. In addition, this alteration is predicted to be tolerated by in silico analysis. Since supporting evidence is limited at this time, the clinical significance of this alteration remains unclear.

Labcorp Genetics (formerly Invitae), Labcorp
Classification: Uncertain significance for Dilated cardiomyopathy 1G; Autosomal recessive limb-girdle muscular dystrophy type 2J. Last evaluated: 2017-05-16. Review status: criteria provided, single submitter. Criteria: Invitae Variant Classification Sherloc (09022015). Collection method: clinical testing. Allele origin: germline.

CHEO Genetics Diagnostic Laboratory, Children's Hospital of Eastern Ontario
Classification: Uncertain significance for Cardiomyopathy. Last evaluated: 2016-01-18. Review status: criteria provided, single submitter. Criteria: ACMG Guidelines, 2015. Collection method: clinical testing. Allele origin: germline. Study: Canadian Open Genetics Repository.

Literature cited by the submitters: PubMed 27930701 (cited by Women's Health and Genetics/Laboratory Corporation of America, LabCorp); PubMed 26516846 (cited by Women's Health and Genetics/Laboratory Corporation of America, LabCorp); PubMed 23910462 (cited by Women's Health and Genetics/Laboratory Corporation of America, LabCorp).

NM_001267550.2(TTN):c.6950G>A (p.Arg2317His)

Genes: TTN (titin; minus strand), LOC126806433 (BRD4-independent group 4 enhancer GRCh37_chr2:179638309-179639508; plus strand). Cytogenetic location: 2q31.2.
Variant type: single nucleotide variant.
Coding change: c.6950G>A on transcript NM_001267550.2 (MANE Select); coding-DNA position 6950, G replaced by A.
Protein change: p.Arg2317His; replaces arginine 2317 with histidine.
Molecular consequence: missense variant.
Genome position (GRCh38, 1-based): chr2:178,774,314, C>T on the plus strand (G>A on the coding strand, the complement: TTN is on the minus strand). VCF-style: chr2-178774314-C-T. GRCh37 (hg19) VCF-style: chr2-179639041-C-T.
Other names: c.6950G>A, p.Arg2317His (NM_001256850.1, NM_133378.4, NM_133379.5); c.6812G>A, p.Arg2271His (NM_003319.4, NM_133432.3, NM_133437.4); short protein forms R2317H, R2271H.
Identifiers: ClinVar variation 467418 (VCV000467418.33), dbSNP rs764882950, ClinGen allele CA2004933.
Genomic context (GRCh38, chr2:178,774,314, plus strand): 5'-CTGTATTCTCCCTGGTCCTCCTTGGTTACATCCTTGACCGTGAGGTTCTGACGTCCACGA[C>T]GAGATGTAATTGTATATTTGCCATTGGATTTAAGCTCCACATCATTATGATACCATTTTC-3'
Protein context (NP_001254479.2, residues 2307-2327): KSNGKYTITS[Arg2317His]RGRQNLTVKD